The following is an entry in ClinVar:

ClinVar aggregate classification (germline): Benign/Likely benign. Review status: criteria provided, multiple submitters, no conflicts (2 of 4 stars). 2 submissions from 2 submitters: Benign (1); Likely benign (1). Last evaluated 2024-11-20.

Conditions:
Congenital fibrosis of extraocular muscles type 1. Also called: OPHTHALMOPLEGIA, CONGENITAL; CFEOM3B; BLEPHAROPTOSIS WITH ABSENT EYE MOVEMENTS; FEOM1 LOCUS. Identifiers: MedGen C1851102, MONDO:0021083, OMIM 135700.

Allele frequency attached by ClinVar (database versions not stated): gnomAD exomes 0.00033 and 0.00119; gnomAD 0.00036 and 0.00050; TOPMed 0.00076; ExAC 0.00110; 1000 Genomes Project 30x 0.00156; 1000 Genomes Project 0.00160.
gnomAD v4.1: 574 of 1,613,588 alleles (0.036%); highest among the groups gnomAD compares: East Asian, 1.1%; 2 homozygotes.

Submissions (2):

Blueprint Genetics
Classification: Likely benign. Last evaluated: 2024-11-20. Review status: criteria provided, single submitter. Criteria: ACMG Guidelines, 2015. Collection method: clinical testing. Allele origin: germline.

Illumina Laboratory Services, Illumina
Classification: Benign for Congenital fibrosis of extraocular muscles type 1. Last evaluated: 2018-01-12. Review status: criteria provided, single submitter. Criteria: ICSL Variant Classification Criteria 13 December 2019. Collection method: clinical testing. Allele origin: germline.
Comment: This variant was observed in the ICSL laboratory as part of a predisposition screen in an ostensibly healthy population. It had not been previously curated by ICSL or reported in the Human Gene Mutation Database (HGMD: prior to June 1st, 2018), and was therefore a candidate for classification through an automated scoring system. Utilizing variant allele frequency, disease prevalence and penetrance estimates, and inheritance mode, an automated score was calculated to assess if this variant is too frequent to cause the disease. Based on the score and internal cut-off values, a variant classified as benign is not then subjected to further curation. The score for this variant resulted in a classification of benign for this disease.

NM_001173464.2(KIF21A):c.3111C>T (p.Ala1037=)

Gene: KIF21A (kinesin family member 21A; minus strand). Cytogenetic location: 12q12.
Variant type: single nucleotide variant.
Coding change: c.3111C>T on transcript NM_001173464.2 (MANE Select); coding-DNA position 3111, C replaced by T.
Protein change: p.Ala1037=; no amino-acid change (alanine 1037 retained).
Molecular consequence: synonymous variant.
Genome position (GRCh38, 1-based): chr12:39,331,732, G>A on the plus strand (C>T on the coding strand, the complement: KIF21A is on the minus strand). VCF-style: chr12-39331732-G-A. GRCh37 (hg19) VCF-style: chr12-39725534-G-A.
Other names: c.3072C>T, p.Ala1024= (NM_001173463.2, NM_017641.4); c.3003C>T, p.Ala1001= (NM_001173465.2).
Identifiers: ClinVar variation 308564 (VCV000308564.6), dbSNP rs145404005, ClinGen allele CA6510614.